The following is an entry in ClinVar:

ClinVar aggregate classification (germline): Uncertain significance (1 of 4 stars; one submission).

Conditions:
Diamond-Blackfan anemia 8 (DBA8). Also called: RPS7-Related Diamond-Blackfan Anemia. Identifiers: Orphanet 124, MedGen C2675511, MONDO:0012939, OMIM 612563.

Submission:

Labcorp Genetics (formerly Invitae), Labcorp
Classification: Uncertain significance for Diamond-Blackfan anemia 8. Last evaluated: 2018-06-21. Review status: criteria provided, single submitter. Criteria: Invitae Variant Classification Sherloc (09022015). Collection method: clinical testing. Allele origin: germline.
Comment: In summary, the available evidence is currently insufficient to determine the role of this variant in disease. Therefore, it has been classified as a Variant of Uncertain Significance. Algorithms developed to predict the effect of missense changes on protein structure and function are either unavailable or do not agree on the potential impact of this missense change (SIFT: "Deleterious"; PolyPhen-2: "Probably Damaging"; Align-GVGD: "Class C0"). This variant has not been reported in the literature in individuals with RPS7-related disease. This variant is not present in population databases (ExAC no frequency). This sequence change replaces phenylalanine with serine at codon 173 of the RPS7 protein (p.Phe173Ser). The phenylalanine residue is highly conserved and there is a large physicochemical difference between phenylalanine and serine.

NM_001011.4(RPS7):c.518T>C (p.Phe173Ser)

Gene: RPS7 (ribosomal protein S7; plus strand). Cytogenetic location: 2p25.3.
Variant type: single nucleotide variant.
Coding change: c.518T>C on transcript NM_001011.4 (MANE Select); coding-DNA position 518, T replaced by C.
Protein change: p.Phe173Ser; replaces phenylalanine 173 with serine.
Molecular consequence: missense variant.
Genome position (GRCh38, 1-based): chr2:3,580,815, T>C. VCF-style: chr2-3580815-T-C. GRCh37 (hg19) VCF-style: chr2-3628405-T-C.
Other names: c.518T>C, p.Phe173Ser (LRG_1148t1); short protein forms F173S.
Identifiers: ClinVar variation 579378 (VCV000579378.8), dbSNP rs1558474062, ClinGen allele CA345743827.
Genomic context (GRCh38, chr2:3,580,815, plus strand): 5'-GCTGAGTGTGTATTTCAAAGTTCTGTGATGAATTCTTTCTTTTCTTGTAGGTTGAAACTT[T>C]TTCTGGTGTCTATAAGAAGCTCACGGGCAAGGATGTTAATTTTGAATTCCCAGAGTTTCA-3'
Protein context (NP_001002.1, residues 163-183): QNNVEHKVET[Phe173Ser]SGVYKKLTGK